The following is an entry in ClinVar:

ClinVar aggregate classification (germline): Likely benign. Review status: criteria provided, multiple submitters, no conflicts (2 of 4 stars). 2 submissions from 2 submitters: Likely benign (2). Last evaluated 2024-07-05.

Allele frequency attached by ClinVar (database versions not stated): ESP Exome Variant Server 0.00008; gnomAD 0.00021; ExAC 0.00022; TOPMed 0.00025; gnomAD exomes 0.00039.
gnomAD v4.1: 612 of 1,613,702 alleles (0.038%); highest among the groups gnomAD compares: Middle Eastern, 0.1%; 1 homozygote.

Submissions (2):

Ambry Genetics
Classification: Likely benign. Last evaluated: 2024-07-05. Review status: criteria provided, single submitter. Criteria: Ambry Variant Classification Scheme 2023. Collection method: clinical testing. Allele origin: germline.

CeGaT Center for Human Genetics Tuebingen
Classification: Likely benign. Last evaluated: 2024-04-01. Review status: criteria provided, single submitter. Criteria: CeGaT Center For Human Genetics Tuebingen Variant Classification Criteria Version 2. Collection method: clinical testing. Allele origin: germline. Affected: yes. Observed: 1 variant allele.
Comment: USP36: BP4, BP7

NM_001385174.1(USP36):c.2148C>T (p.Ser716=)

Gene: USP36 (ubiquitin specific peptidase 36; minus strand). Cytogenetic location: 17q25.3.
Variant type: single nucleotide variant.
Coding change: c.2148C>T on transcript NM_001385174.1 (MANE Select); coding-DNA position 2148, C replaced by T.
Protein change: p.Ser716=; no amino-acid change (serine 716 retained).
Molecular consequence: synonymous variant. On other transcripts: non-coding transcript variant (5).
Genome position (GRCh38, 1-based): chr17:78,806,224, G>A on the plus strand (C>T on the coding strand, the complement: USP36 is on the minus strand). VCF-style: chr17-78806224-G-A. GRCh37 (hg19) VCF-style: chr17-76802306-G-A.
Other names: NM_025090.3:c.2148C>T; c.1653C>T, p.Ser551= (NM_001385178.1, NM_001385177.1); c.1518C>T, p.Ser506= (NM_001385179.1); c.1491C>T, p.Ser497= (NM_001385180.1); c.2148C>T, p.Ser716= (NM_001321291.2, NM_001385169.1, NM_001385170.1 and 5 more transcripts).
Identifiers: ClinVar variation 3234266 (VCV003234266.21), dbSNP rs376077925, ClinGen allele CA8806713.